The following is an entry in ClinVar:

NM_000452.3(SLC10A2):c.457G>T (p.Val153Phe)

Gene: SLC10A2 (solute carrier family 10 member 2; minus strand). Cytogenetic location: 13q33.1.
Variant type: single nucleotide variant.
Coding change: c.457G>T on transcript NM_000452.3 (MANE Select); coding-DNA position 457, G replaced by T.
Protein change: p.Val153Phe; replaces valine 153 with phenylalanine.
Molecular consequence: missense variant.
Genome position (GRCh38, 1-based): chr13:103,058,303, C>A on the plus strand (G>T on the coding strand, the complement: SLC10A2 is on the minus strand). VCF-style: chr13-103058303-C-A. GRCh37 (hg19) VCF-style: chr13-103710653-C-A.
Other names: short protein forms V153F.
Identifiers: ClinVar variation 2803603 (VCV002803603.3), dbSNP rs1875999981, ClinGen allele CA388608079.

ClinVar aggregate classification (germline): Uncertain significance (1 of 4 stars; one submission).

gnomAD v4.1: 1 of 1,612,974 alleles (0.000062%); highest among the groups gnomAD compares: Non-Finnish European, 0.000085%; no homozygotes.

Submission:

Labcorp Genetics (formerly Invitae), Labcorp
Classification: Uncertain significance. Last evaluated: 2024-01-04. Review status: criteria provided, single submitter. Criteria: Invitae Variant Classification Sherloc (09022015). Collection method: clinical testing. Allele origin: germline.
Comment: This sequence change replaces valine, which is neutral and non-polar, with phenylalanine, which is neutral and non-polar, at codon 153 of the SLC10A2 protein (p.Val153Phe). This variant is not present in population databases (gnomAD no frequency). This variant has not been reported in the literature in individuals affected with SLC10A2-related conditions. Advanced modeling of protein sequence and biophysical properties (such as structural, functional, and spatial information, amino acid conservation, physicochemical variation, residue mobility, and thermodynamic stability) performed at Invitae indicates that this missense variant is not expected to disrupt SLC10A2 protein function with a negative predictive value of 80%. In summary, the available evidence is currently insufficient to determine the role of this variant in disease. Therefore, it has been classified as a Variant of Uncertain Significance.